The following is an entry in ClinVar:

NM_001103.4(ACTN2):c.2060A>C (p.Asn687Thr)

Gene: ACTN2 (actinin alpha 2; plus strand). Cytogenetic location: 1q43.
Variant type: single nucleotide variant.
Coding change: c.2060A>C on transcript NM_001103.4 (MANE Select); coding-DNA position 2060, A replaced by C.
Protein change: p.Asn687Thr; replaces asparagine 687 with threonine.
Molecular consequence: missense variant.
Genome position (GRCh38, 1-based): chr1:236,755,104, A>C. VCF-style: chr1-236755104-A-C. GRCh37 (hg19) VCF-style: chr1-236918404-A-C.
Other names: c.2060A>C, p.Asn687Thr (NM_001278343.2); c.1436A>C, p.Asn479Thr (NM_001278344.2); c.1310A>C, p.Asn437Thr (NM_001412150.1); short protein forms N687T, N479T, N437T.
Identifiers: ClinVar variation 1785216 (VCV001785216.2), dbSNP rs1198313014, ClinGen allele CA345387572.
Genomic context (GRCh38, chr1:236,755,104, plus strand): 5'-TCACAGGAGCCCTGGAAGACCAGATGAACCAGCTGAAGCAGTATGAGCACAACATCATCA[A>C]CTATAAGAACAACATCGACAAGCTGGAGGGAGACCATCAGCTCATCCAGGAGGCCCTTGT-3'
Protein context (NP_001094.1, residues 677-697): QLKQYEHNII[Asn687Thr]YKNNIDKLEG

ClinVar aggregate classification (germline): Uncertain significance (1 of 4 stars; one submission).

Conditions:
Cardiovascular phenotype. Identifiers: MedGen CN230736.

Allele frequency attached by ClinVar (database versions not stated): TOPMed below 0.00001; gnomAD 0.00001.
gnomAD v4.1: 1 of 1,614,110 alleles (0.000062%); highest among the groups gnomAD compares: Non-Finnish European, 0.000085%; no homozygotes.

Submission:

Ambry Genetics
Classification: Uncertain significance for Cardiovascular phenotype. Last evaluated: 2021-12-24. Review status: criteria provided, single submitter. Criteria: Ambry Variant Classification Scheme 2023. Collection method: clinical testing. Allele origin: germline.
Comment: The p.N687T variant (also known as c.2060A>C), located in coding exon 17 of the ACTN2 gene, results from an A to C substitution at nucleotide position 2060. The asparagine at codon 687 is replaced by threonine, an amino acid with similar properties. This amino acid position is conserved. In addition, this alteration is predicted to be tolerated by in silico analysis. Since supporting evidence is limited at this time, the clinical significance of this alteration remains unclear.